The following is an entry in ClinVar:

NM_000245.4(MET):c.1294G>A (p.Gly432Ser)

Gene: MET (MET proto-oncogene, receptor tyrosine kinase; plus strand). Cytogenetic location: 7q31.2.
Variant type: single nucleotide variant.
Coding change: c.1294G>A on transcript NM_000245.4 (MANE Select); coding-DNA position 1294, G replaced by A.
Protein change: p.Gly432Ser; replaces glycine 432 with serine.
Molecular consequence: missense variant.
Genome position (GRCh38, 1-based): chr7:116,731,761, G>A. VCF-style: chr7-116731761-G-A. GRCh37 (hg19) VCF-style: chr7-116371815-G-A.
Other names: c.1294G>A, p.Gly432Ser (NM_001127500.3, NM_001324401.3); c.4G>A, p.Gly2Ser (NM_001324402.2); short protein forms G432S, G2S.
Identifiers: ClinVar variation 2587488 (VCV002587488.2), dbSNP rs2116781728, ClinGen allele CA368972865.

ClinVar aggregate classification (germline): Uncertain significance (1 of 4 stars; one submission).

Conditions:
Hereditary cancer-predisposing syndrome. Also called: Tumor predisposition; Hereditary Cancer Syndrome; Hereditary neoplastic syndrome; Neoplastic Syndromes, Hereditary. Identifiers: Orphanet 140162, MedGen C0027672, MeSH D009386, MONDO:0015356.

Submission:

Ambry Genetics
Classification: Uncertain significance for Hereditary cancer-predisposing syndrome. Last evaluated: 2023-08-04. Review status: criteria provided, single submitter. Criteria: Ambry Variant Classification Scheme 2023. Collection method: clinical testing. Allele origin: germline.
Comment: The p.G432S variant (also known as c.1294G>A), located in coding exon 2 of the MET gene, results from a G to A substitution at nucleotide position 1294. The glycine at codon 432 is replaced by serine, an amino acid with similar properties. This amino acid position is conserved. In addition, this alteration is predicted to be tolerated by in silico analysis. Since supporting evidence is limited at this time, the clinical significance of this alteration remains unclear.